The following is an entry in ClinVar:

ClinVar aggregate classification (germline): Uncertain significance (1 of 4 stars; one submission).

Conditions:
Hereditary cancer-predisposing syndrome. Also called: Neoplastic Syndromes, Hereditary; Tumor predisposition; Hereditary Cancer Syndrome; Hereditary neoplastic syndrome. Identifiers: Orphanet 140162, MedGen C0027672, MeSH D009386, MONDO:0015356.

Submission:

Ambry Genetics
Classification: Uncertain significance for Hereditary cancer-predisposing syndrome. Last evaluated: 2021-07-23. Review status: criteria provided, single submitter. Criteria: Ambry Variant Classification Scheme 2023. Collection method: clinical testing. Allele origin: germline.
Comment: The p.E296G variant (also known as c.887A>G), located in coding exon 4 of the BARD1 gene, results from an A to G substitution at nucleotide position 887. The glutamic acid at codon 296 is replaced by glycine, an amino acid with similar properties. This amino acid position is conserved. In addition, this alteration is predicted to be tolerated by in silico analysis. Since supporting evidence is limited at this time, the clinical significance of this alteration remains unclear.

NM_000465.4(BARD1):c.887A>G (p.Glu296Gly)

Gene: BARD1 (BRCA1 associated RING domain 1; minus strand). Cytogenetic location: 2q35.
Variant type: single nucleotide variant.
Coding change: c.887A>G on transcript NM_000465.4 (MANE Select); coding-DNA position 887, A replaced by G.
Protein change: p.Glu296Gly; replaces glutamic acid 296 with glycine.
Molecular consequence: missense variant. On other transcripts: intron variant (3), non-coding transcript variant (2).
Genome position (GRCh38, 1-based): chr2:214,780,987, T>C on the plus strand (A>G on the coding strand, the complement: BARD1 is on the minus strand). VCF-style: chr2-214780987-T-C. GRCh37 (hg19) VCF-style: chr2-215645711-T-C.
Other names: c.215+16074A>G (NM_001282545.2); c.158+28425A>G (NM_001282548.2); c.364+11310A>G (NM_001282549.2); c.830A>G, p.Glu277Gly (NM_001282543.2); short protein forms E296G, E277G.
Identifiers: ClinVar variation 1764955 (VCV001764955.2), dbSNP rs2469507071, ClinGen allele CA350455144.
Genomic context (GRCh38, chr2:214,780,987, plus strand): 5'-AATGGCAAAGATTTCTTAGATGTAAGATAATTTTTGCAGACCTTCTCAGGAGTCACTACT[T>C]CATTCCTGCTCTTAGTGTCTGGAGACTCTATTTGCTCAGCCAATGGTAAAGAGACTTCAG-3'
Protein context (NP_000456.2, residues 286-306): IESPDTKSRN[Glu296Gly]VVTPEKVCKN